The following is an entry in ClinVar:

ClinVar aggregate classification (germline): Pathogenic (1 of 4 stars; one submission).

Conditions:
Hyperphosphatasia with impaired intellectual development syndrome 2. Also called: Hyperphosphatasia with intellectual disability syndrome 2; GLYCOSYLPHOSPHATIDYLINOSITOL BIOSYNTHESIS DEFECT 6. Identifiers: Orphanet 247262, MedGen C3553637, MONDO:0013882, OMIM 614749.

Allele frequency attached by ClinVar (database versions not stated): gnomAD exomes below 0.00001; TOPMed below 0.00001.

Submission:

Labcorp Genetics (formerly Invitae), Labcorp
Classification: Pathogenic for Hyperphosphatasia with impaired intellectual development syndrome 2. Last evaluated: 2023-02-22. Review status: criteria provided, single submitter. Criteria: Invitae Variant Classification Sherloc (09022015). Collection method: clinical testing. Allele origin: germline.
Comment: This sequence change creates a premature translational stop signal (p.Arg814Serfs*3) in the PIGO gene. It is expected to result in an absent or disrupted protein product. Loss-of-function variants in PIGO are known to be pathogenic (PMID: 22683086, 24417746). For these reasons, this variant has been classified as Pathogenic. This variant has not been reported in the literature in individuals affected with PIGO-related conditions. This variant is not present in population databases (gnomAD no frequency).

Literature cited by the submitters: PubMed 22683086; PubMed 24417746.

NM_032634.4(PIGO):c.2442_2457del (p.Arg814fs)

Gene: PIGO (phosphatidylinositol glycan anchor biosynthesis class O; minus strand). Cytogenetic location: 9p13.3.
Variant type: Deletion.
Coding change: c.2442_2457del on transcript NM_032634.4 (MANE Select); coding-DNA positions 2442 to 2457, 16 bases deleted (GACCAAATCTCAGGGT).
Protein change: p.Arg814fs; shifts the reading frame from arginine 814.
Molecular consequence: frameshift variant. On other transcripts: intron variant (2).
Genome position (GRCh38, 1-based): chr9:35,091,430-35,091,445, ACCCTGAGATTTGGTC deleted on the plus strand (GACCAAATCTCAGGGT on the coding strand, the reverse complement: PIGO is on the minus strand). VCF-style (leftmost placement, unchanged base first): chr9-35091429-GACCCTGAGATTTGGTC-G. GRCh37 (hg19) VCF-style: chr9-35091426-GACCCTGAGATTTGGTC-G.
Other names: c.1345-154_1345-139del (NM_152850.4, NM_001201484.2); short protein forms R814fs.
Identifiers: ClinVar variation 2717350 (VCV002717350.3), dbSNP rs1460165646, ClinGen allele CA863537058.